The following is an entry in ClinVar:

ClinVar aggregate classification (germline): Uncertain significance (1 of 4 stars; one submission).

gnomAD v4.1: 6 of 1,614,186 alleles (0.00037%); highest among the groups gnomAD compares: Non-Finnish European, 0.00051%; no homozygotes.

Submission:

GeneDx
Classification: Uncertain significance. Last evaluated: 2025-01-15. Review status: criteria provided, single submitter. Criteria: GeneDx Variant Classification Process June 2021. Collection method: clinical testing. Allele origin: germline. Affected: yes.
Comment: Not observed at significant frequency in large population cohorts (gnomAD); In silico analysis supports that this missense variant has a deleterious effect on protein structure/function; Has not been previously published as pathogenic or benign to our knowledge; This variant is associated with the following publications: (PMID: 27535533)

NM_001242896.3(DEPDC5):c.1385A>T (p.Tyr462Phe)

Gene: DEPDC5 (DEP domain containing 5, GATOR1 subcomplex subunit; plus strand). Cytogenetic location: 22q12.3.
Variant type: single nucleotide variant.
Coding change: c.1385A>T on transcript NM_001242896.3 (MANE Select); coding-DNA position 1385, A replaced by T.
Protein change: p.Tyr462Phe; replaces tyrosine 462 with phenylalanine.
Molecular consequence: missense variant. On other transcripts: non-coding transcript variant (5).
Genome position (GRCh38, 1-based): chr22:31,810,581, A>T. VCF-style: chr22-31810581-A-T. GRCh37 (hg19) VCF-style: chr22-32206567-A-T.
Other names: c.1385A>T, p.Tyr462Phe (NM_001007188.4, NM_001136029.4, NM_001242897.2 and 7 more transcripts); c.1301A>T, p.Tyr434Phe (NM_001369901.1, NM_001369902.1); short protein forms Y434F, Y462F.
Identifiers: ClinVar variation 4070610 (VCV004070610.1).